The following is an entry in ClinVar:

NM_000092.5(COL4A4):c.494A>C (p.His165Pro)

Gene: COL4A4 (collagen type IV alpha 4 chain; minus strand). Cytogenetic location: 2q36.3.
Variant type: single nucleotide variant.
Coding change: c.494A>C on transcript NM_000092.5 (MANE Select); coding-DNA position 494, A replaced by C.
Protein change: p.His165Pro; replaces histidine 165 with proline.
Molecular consequence: missense variant.
Genome position (GRCh38, 1-based): chr2:227,114,692, T>G on the plus strand (A>C on the coding strand, the complement: COL4A4 is on the minus strand). VCF-style: chr2-227114692-T-G. GRCh37 (hg19) VCF-style: chr2-227979408-T-G.
Other names: short protein forms H165P.
Identifiers: ClinVar variation 1009866 (VCV001009866.8), dbSNP rs1395435419, ClinGen allele CA350861550.

ClinVar aggregate classification (germline): Uncertain significance (1 of 4 stars; one submission).

Submission:

Labcorp Genetics (formerly Invitae), Labcorp
Classification: Uncertain significance. Last evaluated: 2020-03-10. Review status: criteria provided, single submitter. Criteria: Invitae Variant Classification Sherloc (09022015). Collection method: clinical testing. Allele origin: germline.
Comment: In summary, the available evidence is currently insufficient to determine the role of this variant in disease. Therefore, it has been classified as a Variant of Uncertain Significance. Algorithms developed to predict the effect of missense changes on protein structure and function are either unavailable or do not agree on the potential impact of this missense change (SIFT: "Tolerated"; PolyPhen-2: "Possibly Damaging"; Align-GVGD: "Class C0"). This variant has not been reported in the literature in individuals with COL4A4-related conditions. This variant is not present in population databases (ExAC no frequency). This sequence change replaces histidine with proline at codon 165 of the COL4A4 protein (p.His165Pro). The histidine residue is weakly conserved and there is a moderate physicochemical difference between histidine and proline.